The following is an entry in ClinVar:

ClinVar aggregate classification (germline): Uncertain significance (1 of 4 stars; one submission).

Conditions:
Bethlem myopathy 2 (BTHLM2). Identifiers: Orphanet 536516, Orphanet 610, MedGen C4225313, MONDO:0034022, OMIM 616471.
Ullrich congenital muscular dystrophy 2 (UCMD2). Identifiers: Orphanet 75840, MedGen C4225314, MONDO:0014654, OMIM 616470.

Allele frequency attached by ClinVar (database versions not stated): gnomAD exomes below 0.00001.
gnomAD v4.1: 3 of 1,613,230 alleles (0.00019%); highest among the groups gnomAD compares: Non-Finnish European, 0.00025%; no homozygotes.

Submission:

Labcorp Genetics (formerly Invitae), Labcorp
Classification: Uncertain significance for Bethlem myopathy 2; Ullrich congenital muscular dystrophy 2. Last evaluated: 2022-06-18. Review status: criteria provided, single submitter. Criteria: Invitae Variant Classification Sherloc (09022015). Collection method: clinical testing. Allele origin: germline.
Comment: In summary, the available evidence is currently insufficient to determine the role of this variant in disease. Therefore, it has been classified as a Variant of Uncertain Significance. Advanced modeling of protein sequence and biophysical properties (such as structural, functional, and spatial information, amino acid conservation, physicochemical variation, residue mobility, and thermodynamic stability) performed at Invitae indicates that this missense variant is expected to disrupt COL12A1 protein function. This variant has not been reported in the literature in individuals affected with COL12A1-related conditions. This variant is present in population databases (no rsID available, gnomAD 0.0009%). This sequence change replaces proline, which is neutral and non-polar, with serine, which is neutral and polar, at codon 1815 of the COL12A1 protein (p.Pro1815Ser).

NM_004370.6(COL12A1):c.5443C>T (p.Pro1815Ser)

Gene: COL12A1 (collagen type XII alpha 1 chain; minus strand). Cytogenetic location: 6q13.
Variant type: single nucleotide variant.
Coding change: c.5443C>T on transcript NM_004370.6 (MANE Select); coding-DNA position 5443, C replaced by T.
Protein change: p.Pro1815Ser; replaces proline 1815 with serine.
Molecular consequence: missense variant.
Genome position (GRCh38, 1-based): chr6:75,134,807, G>A on the plus strand (C>T on the coding strand, the complement: COL12A1 is on the minus strand). VCF-style: chr6-75134807-G-A. GRCh37 (hg19) VCF-style: chr6-75844523-G-A.
Other names: c.1951C>T, p.Pro651Ser (NM_080645.3); short protein forms P651S, P1815S.
Identifiers: ClinVar variation 2061754 (VCV002061754.4), dbSNP rs1441689092, ClinGen allele CA364736350.